The following is an entry in ClinVar:

ClinVar aggregate classification (germline): Uncertain significance (1 of 4 stars; one submission).

Submission:

CeGaT Center for Human Genetics Tuebingen
Classification: Uncertain significance. Last evaluated: 2026-07-01. Review status: criteria provided, single submitter. Criteria: CeGaT Center For Human Genetics Tuebingen Variant Classification Criteria Version 2. Collection method: clinical testing. Allele origin: germline. Affected: yes. Observed: 1 variant allele.
Comment: CAPN1: PM2, PM3:Supporting, BP4

NM_005186.4(CAPN1):c.2008G>A (p.Val670Ile)

Genes: CAPN1 (calpain 1; plus strand), LOC126861236 (P300/CBP strongly-dependent group 1 enhancer GRCh37_chr11:64976880-64978079; plus strand). Cytogenetic location: 11q13.1.
Variant type: single nucleotide variant.
Coding change: c.2008G>A on transcript NM_005186.4 (MANE Select); coding-DNA position 2008, G replaced by A.
Protein change: p.Val670Ile; replaces valine 670 with isoleucine.
Molecular consequence: missense variant. On other transcripts: non-coding transcript variant (1).
Genome position (GRCh38, 1-based): chr11:65,210,401, G>A. VCF-style: chr11-65210401-G-A. GRCh37 (hg19) VCF-style: chr11-64977872-G-A.
Other names: c.2008G>A, p.Val670Ile (NM_001198868.2, NM_001198869.2); short protein forms V670I.
Identifiers: ClinVar variation 5040099 (VCV005040099.1).